The following is an entry in ClinVar:

ClinVar aggregate classification (germline): Uncertain significance. Review status: criteria provided, multiple submitters, no conflicts (2 of 4 stars). 2 submissions from 2 submitters: Uncertain significance (2). Last evaluated 2024-08-01.

Conditions:
RASopathy. Also called: rasopathies; Noonan spectrum disorder. Identifiers: Orphanet 536391, MedGen C5555857, MONDO:0021060.

Allele frequency attached by ClinVar (database versions not stated): gnomAD exomes below 0.00001; TOPMed below 0.00001; gnomAD 0.00001.
gnomAD v4.1: 3 of 1,613,988 alleles (0.00019%); highest among the groups gnomAD compares: African/African-American, 0.0027%; no homozygotes.

Submissions (2):

Labcorp Genetics (formerly Invitae), Labcorp
Classification: Uncertain significance for RASopathy. Last evaluated: 2024-08-01. Review status: criteria provided, single submitter. Criteria: Invitae Variant Classification Sherloc (09022015). Collection method: clinical testing. Allele origin: germline.
Comment: This sequence change replaces isoleucine, which is neutral and non-polar, with phenylalanine, which is neutral and non-polar, at codon 457 of the BRAF protein (p.Ile457Phe). This variant is present in population databases (no rsID available, gnomAD 0.008%). This variant has not been reported in the literature in individuals affected with BRAF-related conditions. ClinVar contains an entry for this variant (Variation ID: 918095). Advanced modeling of protein sequence and biophysical properties (such as structural, functional, and spatial information, amino acid conservation, physicochemical variation, residue mobility, and thermodynamic stability) performed at Invitae indicates that this missense variant is not expected to disrupt BRAF protein function with a negative predictive value of 80%. In summary, the available evidence is currently insufficient to determine the role of this variant in disease. Therefore, it has been classified as a Variant of Uncertain Significance.

Women's Health and Genetics/Laboratory Corporation of America, LabCorp
Classification: Uncertain significance. Last evaluated: 2020-03-16. Review status: criteria provided, single submitter. Criteria: LabCorp Variant Classification Summary - May 2015. Collection method: clinical testing. Allele origin: germline.
Comment: Variant summary: BRAF c.1369A>T (p.Ile457Phe) results in a non-conservative amino acid change located in the Protein kinase domain of the encoded protein sequence. Four of five in-silico tools predict a damaging effect of the variant on protein function. The variant allele was found at a frequency of 4e-06 in 251436 control chromosomes. The available data on variant occurrences in the general population are insufficient to allow any conclusion about variant significance. To our knowledge, no occurrence of c.1369A>T in individuals affected with Noonan Syndrome and Related Conditions and no experimental evidence demonstrating its impact on protein function have been reported. No clinical diagnostic laboratories have submitted clinical-significance assessments for this variant to ClinVar after 2014. Based on the evidence outlined above, the variant was classified as uncertain significance.

NM_004333.6(BRAF):c.1369A>T (p.Ile457Phe)

Gene: BRAF (B-Raf proto-oncogene, serine/threonine kinase; minus strand). Cytogenetic location: 7q34.
Variant type: single nucleotide variant.
Coding change: c.1369A>T on transcript NM_004333.6 (MANE Select); coding-DNA position 1369, A replaced by T.
Protein change: p.Ile457Phe; replaces isoleucine 457 with phenylalanine.
Molecular consequence: missense variant.
Genome position (GRCh38, 1-based): chr7:140,781,639, T>A on the plus strand (A>T on the coding strand, the complement: BRAF is on the minus strand). VCF-style: chr7-140781639-T-A. GRCh37 (hg19) VCF-style: chr7-140481439-T-A.
Other names: c.1369A>T, p.Ile457Phe (NM_001354609.2, NM_001378468.1, NM_001378474.1); c.1489A>T, p.Ile497Phe (NM_001374244.1, NM_001374258.1); c.1378A>T, p.Ile460Phe (NM_001378467.1); c.1303A>T, p.Ile435Phe (NM_001378469.1); c.1267A>T, p.Ile423Phe (NM_001378470.1); c.1258A>T, p.Ile420Phe (NM_001378471.1); c.1213A>T, p.Ile405Phe (NM_001378472.1, NM_001378473.1); c.1105A>T, p.Ile369Phe (NM_001378475.1); short protein forms I405F, I423F, I457F, I460F, I369F, I420F, I435F, I497F.
Identifiers: ClinVar variation 918095 (VCV000918095.5), dbSNP rs1008100536, ClinGen allele CA168090587.